The following is an entry in ClinVar:

NM_018055.5(NODAL):c.281G>A (p.Arg94Gln)

Gene: NODAL (nodal growth differentiation factor; minus strand). Cytogenetic location: 10q22.1.
Variant type: single nucleotide variant.
Coding change: c.281G>A on transcript NM_018055.5 (MANE Select); coding-DNA position 281, G replaced by A.
Protein change: p.Arg94Gln; replaces arginine 94 with glutamine.
Molecular consequence: missense variant. On other transcripts: 5 prime UTR variant (1).
Genome position (GRCh38, 1-based): chr10:70,435,896, C>T on the plus strand (G>A on the coding strand, the complement: NODAL is on the minus strand). VCF-style: chr10-70435896-C-T. GRCh37 (hg19) VCF-style: chr10-72195652-C-T.
Other names: c.-119G>A (NM_001329906.2); short protein forms R94Q.
Identifiers: ClinVar variation 300307 (VCV000300307.17), dbSNP rs146018217, ClinGen allele CA5537631.
Genomic context (GRCh38, chr10:70,435,896, plus strand): 5'-AAAATCTCAATGGCAAGTGAGCCCTCAGTGGGGAGGTCCACAGGGCTGGACAGCTGCAGC[C>T]GGAGCTCAGCCCATGCCAGATCCTCTTGTTGGCTCAGGAAGGAGAAGTCAAAAGCAAACG-3'
Protein context (NP_060525.3, residues 84-104): QQEDLAWAEL[Arg94Gln]LQLSSPVDLP

ClinVar aggregate classification (germline): Likely benign. Review status: criteria provided, multiple submitters, no conflicts (2 of 4 stars). 5 submissions from 4 submitters: Likely benign (4). 1 of the submissions does not count toward it. Last evaluated 2025-07-23.

Conditions:
Heterotaxy, visceral, 5, autosomal (HTX5). Also called: Heterotaxy, visceral, 5. Identifiers: Orphanet 450, MedGen C3495537, MONDO:0700112, OMIM 270100.
NODAL-related disorder. Also called: NODAL-related disorders; NODAL-related condition. Identifiers: MedGen CN239298.
Holoprosencephaly sequence (HPE). Also called: Holoprosencephaly. Identifiers: Orphanet 2162, MedGen C0079541, MONDO:0016296, HP:0001360.

Allele frequency attached by ClinVar (database versions not stated): TOPMed 0.00005; gnomAD 0.00007 and 0.00009; ESP Exome Variant Server 0.00008; gnomAD exomes 0.00012 and 0.00019; ExAC 0.00021.
gnomAD v4.1: 201 of 1,614,116 alleles (0.012%); highest among the groups gnomAD compares: Middle Eastern, 0.12%; 1 homozygote.

Submissions (5):

Labcorp Genetics (formerly Invitae), Labcorp
Classification: Likely benign for Heterotaxy, visceral, 5, autosomal. Last evaluated: 2025-07-23. Review status: criteria provided, single submitter. Criteria: Invitae Variant Classification Sherloc (09022015). Collection method: clinical testing. Allele origin: germline.

Illumina Laboratory Services, Illumina
Classification: Likely benign for Heterotaxy, visceral, 5, autosomal. Last evaluated: 2018-01-12. Review status: criteria provided, single submitter. Criteria: ICSL Variant Classification Criteria 13 December 2019. Collection method: clinical testing. Allele origin: germline.
Comment: This variant was observed in the ICSL laboratory as part of a predisposition screen in an ostensibly healthy population. It had not been previously curated by ICSL or reported in the Human Gene Mutation Database (HGMD: prior to June 1st, 2018), and was therefore a candidate for classification through an automated scoring system. Utilizing variant allele frequency, disease prevalence and penetrance estimates, and inheritance mode, an automated score was calculated to assess if this variant is too frequent to cause the disease. Based on the score and internal cut-off values, a variant classified as likely benign is not then subjected to further curation. The score for this variant resulted in a classification of likely benign for this disease.

Illumina Laboratory Services, Illumina
Classification: Likely benign for Holoprosencephaly sequence. Last evaluated: 2018-01-12. Review status: criteria provided, single submitter. Criteria: ICSL Variant Classification Criteria 13 December 2019. Collection method: clinical testing. Allele origin: germline.
Comment: the same text as in the submission from Illumina Laboratory Services, Illumina above.

Breakthrough Genomics
Classification: Likely benign. Review status: criteria provided, single submitter. Criteria: ACMG Guidelines, 2015. Collection method: not provided. Allele origin: germline. Inheritance: Autosomal dominant inheritance. Affected: yes.

PreventionGenetics, part of Exact Sciences
Classification: Likely benign for NODAL-related condition. Last evaluated: 2023-03-23. Review status: no assertion criteria provided. Collection method: clinical testing. Allele origin: germline. Not counted in ClinVar's aggregate classification.
Comment: This variant is classified as likely benign based on ACMG/AMP sequence variant interpretation guidelines (Richards et al. 2015 PMID: 25741868, with internal and published modifications).